The following is an entry in ClinVar:

NM_000814.6(GABRB3):c.1081-10G>T

Gene: GABRB3 (gamma-aminobutyric acid type A receptor subunit beta3; minus strand). Cytogenetic location: 15q12.
Variant type: single nucleotide variant.
Coding change: c.1081-10G>T on transcript NM_000814.6 (MANE Select); 10 bases into the intron before coding-DNA position 1081, G replaced by T.
Molecular consequence: intron variant.
Genome position (GRCh38, 1-based): chr15:26,548,144, C>A on the plus strand (G>T on the coding strand, the complement: GABRB3 is on the minus strand). VCF-style: chr15-26548144-C-A. GRCh37 (hg19) VCF-style: chr15-26793291-C-A.
Other names: c.1081-10G>T (NM_000814.5, NM_021912.5); c.826-10G>T (NM_001278631.2, NM_001191320.2); c.868-10G>T (NM_001191321.3).
Identifiers: ClinVar variation 2951260 (VCV002951260.4), dbSNP rs200137318, ClinGen allele CA711571992.

ClinVar aggregate classification (germline): Likely benign. Review status: criteria provided, single submitter (1 of 4 stars). 2 submissions from 2 submitters: Likely benign (1). 1 of the submissions does not count toward it. Last evaluated 2025-12-09.

Conditions:
GABRB3-related disorder. Also called: GABRB3-related condition.
Epilepsy, childhood absence, susceptibility to, 5. Identifiers: Orphanet 64280, MedGen C2677087, MONDO:0012843, OMIM 612269.
Epilepsy, childhood absence, susceptibility to, 1. Also called: Epilepsy, childhood absence 1. Identifiers: Orphanet 64280, MedGen C1838604, MONDO:0020759, OMIM 600131.

gnomAD v4.1: 17 of 1,607,752 alleles (0.0011%); highest among the groups gnomAD compares: Non-Finnish European, 0.0014%; no homozygotes.

Submissions (2):

Labcorp Genetics (formerly Invitae), Labcorp
Classification: Likely benign for Epilepsy, childhood absence, susceptibility to, 5; Epilepsy, childhood absence, susceptibility to, 1. Last evaluated: 2025-12-09. Review status: criteria provided, single submitter. Criteria: Invitae Variant Classification Sherloc (09022015). Collection method: clinical testing. Allele origin: germline.

PreventionGenetics, part of Exact Sciences
Classification: Likely benign for GABRB3-related condition. Last evaluated: 2024-09-09. Review status: no assertion criteria provided. Collection method: clinical testing. Allele origin: germline. Not counted in ClinVar's aggregate classification.
Comment: This variant is classified as likely benign based on ACMG/AMP sequence variant interpretation guidelines (Richards et al. 2015 PMID: 25741868, with internal and published modifications).